The following is an entry in ClinVar:

NM_001082486.2(ACD):c.902C>T (p.Ser301Phe)

Gene: ACD (ACD shelterin complex subunit and telomerase recruitment factor; minus strand). Cytogenetic location: 16q22.1.
Variant type: single nucleotide variant.
Coding change: c.902C>T on transcript NM_001082486.2 (MANE Select); coding-DNA position 902, C replaced by T.
Protein change: p.Ser301Phe; replaces serine 301 with phenylalanine.
Molecular consequence: missense variant.
Genome position (GRCh38, 1-based): chr16:67,658,290, G>A on the plus strand (C>T on the coding strand, the complement: ACD is on the minus strand). VCF-style: chr16-67658290-G-A. GRCh37 (hg19) VCF-style: chr16-67692193-G-A.
Other names: c.815C>T, p.Ser272Phe (NM_001410884.1); c.893C>T, p.Ser298Phe (NM_022914.3); short protein forms S272F, S298F, S301F.
Identifiers: ClinVar variation 3261476 (VCV003261476.1).
Genomic context (GRCh38, chr16:67,658,290, plus strand): 5'-GAGCAGATGGCTGGTGAGGGCTGGGAGCTGCTTCTCTGCCCTGGGTCTGGAGCAGCCAAG[G>A]ACAGGGCAGGCAGAAGGCTGATGCTGGTACCACTTTCCTCGGATGACATGTGGCCGGGTA-3'
Protein context (NP_001075955.2, residues 291-311): GTSISLLPAL[Ser301Phe]LAAPDPGQRS

ClinVar aggregate classification (germline): Uncertain significance (1 of 4 stars; one submission).

Conditions:
Inborn genetic diseases. Identifiers: MedGen C0950123, MeSH D030342.

gnomAD v4.1: 2 of 1,613,862 alleles (0.00012%); highest among the groups gnomAD compares: South Asian, 0.0022%; no homozygotes.

Submission:

Ambry Genetics
Classification: Uncertain significance for Inborn genetic diseases. Last evaluated: 2024-03-25. Review status: criteria provided, single submitter. Criteria: Ambry Variant Classification Scheme 2023. Collection method: clinical testing. Allele origin: germline.
Comment: The p.S387F variant (also known as c.1160C>T), located in coding exon 10 of the ACD gene, results from a C to T substitution at nucleotide position 1160. The serine at codon 387 is replaced by phenylalanine, an amino acid with highly dissimilar properties. This amino acid position is conserved. In addition, this alteration is predicted to be tolerated by in silico analysis. Based on the available evidence, the clinical significance of this alteration remains unclear.